The following is an entry in ClinVar:

NM_021620.4(PRDM13):c.870C>T (p.Gly290=)

Gene: PRDM13 (PR/SET domain 13; plus strand). Cytogenetic location: 6q16.2.
Variant type: single nucleotide variant.
Coding change: c.870C>T on transcript NM_021620.4 (MANE Select); coding-DNA position 870, C replaced by T.
Protein change: p.Gly290=; no amino-acid change (glycine 290 retained).
Molecular consequence: synonymous variant.
Genome position (GRCh38, 1-based): chr6:99,613,505, C>T. VCF-style: chr6-99613505-C-T. GRCh37 (hg19) VCF-style: chr6-100061381-C-T.
Identifiers: ClinVar variation 963020 (VCV000963020.11), dbSNP rs1035992118, ClinGen allele CA143975189.

ClinVar aggregate classification (germline): Likely benign (1 of 4 stars; one submission).

Conditions:
North Carolina macular dystrophy (MCDR1). Also called: Macular dystrophy retinal 1 North Carolina type. Identifiers: Orphanet 75327, MedGen C0730294, MONDO:0007630, OMIM 136550.

Allele frequency attached by ClinVar (database versions not stated): gnomAD 0.00001 and 0.00002; gnomAD exomes 0.00001; TOPMed 0.00004.
gnomAD v4.1: 10 of 1,517,642 alleles (0.00066%); highest among the groups gnomAD compares: Non-Finnish European, 0.00088%; no homozygotes.

Submission:

Labcorp Genetics (formerly Invitae), Labcorp
Classification: Likely benign. Last evaluated: 2025-11-18. Review status: criteria provided, single submitter. Criteria: Invitae Variant Classification Sherloc (09022015). Collection method: clinical testing. Allele origin: germline.